The following is an entry in ClinVar:

NM_001365276.2(TNXB):c.8674G>C (p.Gly2892Arg)

Gene: TNXB (tenascin XB; minus strand). Cytogenetic location: 6p21.33.
Variant type: single nucleotide variant.
Coding change: c.8674G>C on transcript NM_001365276.2 (MANE Select); coding-DNA position 8674, G replaced by C.
Protein change: p.Gly2892Arg; replaces glycine 2892 with arginine.
Molecular consequence: missense variant.
Genome position (GRCh38, 1-based): chr6:32,053,505, C>G on the plus strand (G>C on the coding strand, the complement: TNXB is on the minus strand). VCF-style: chr6-32053505-C-G. GRCh37 (hg19) VCF-style: chr6-32021282-C-G.
Other names: c.8668G>C, p.Gly2890Arg (NM_019105.8); short protein forms G2892R, G2890R.
Identifiers: ClinVar variation 1764231 (VCV001764231.5), dbSNP rs369731438, ClinGen allele CA3733777.
Genomic context (GRCh38, chr6:32,053,505, plus strand): 5'-GGTTCATCTTGTACTTGTGGTCTGGCTCCAGGCCTGAGATGGTGACCCCGTCCTCGTGCC[C>G]CGGCACCCGCACCACCTTGGGCTGCCCATCCCCATTCCTGTACTGGACCAGGAAGTGGTC-3'
Protein context (NP_001352205.1, residues 2882-2902): DGQPKVVRVP[Gly2892Arg]HEDGVTISGL

ClinVar aggregate classification (germline): Uncertain significance. Review status: criteria provided, multiple submitters, no conflicts (2 of 4 stars). 3 submissions from 3 submitters: Uncertain significance (3). Last evaluated 2025-12-03.

Conditions:
Ehlers-Danlos syndrome due to tenascin-X deficiency (EDSCLL1). Also called: TNXB-Related Classical-Like Ehlers-Danlos Syndrome; EDS DUE TO TNX DEFICIENCY; EHLERS-DANLOS SYNDROME, CLASSIC-LIKE; Ehlers-Danlos syndrome, classic-like, 1; TNX DEFICIENCY. Identifiers: Orphanet 230839, MedGen C1848029, MONDO:0011670, OMIM 606408.
Vesicoureteral reflux 8 (VUR8). Identifiers: Orphanet 289365, MedGen C4014831, MONDO:0014422, OMIM 615963.
Cardiovascular phenotype. Identifiers: MedGen CN230736.

Allele frequency attached by ClinVar (database versions not stated): ExAC 0.00003; ESP Exome Variant Server 0.00013.

Submissions (3):

Women's Health and Genetics/Laboratory Corporation of America, LabCorp
Classification: Uncertain significance. Last evaluated: 2025-12-03. Review status: criteria provided, single submitter. Criteria: LabCorp Variant Classification Summary - May 2015. Collection method: clinical testing. Allele origin: germline.
Comment: Variant summary: TNXB c.8668G>C (p.Gly2890Arg) results in a non-conservative amino acid change in the encoded protein sequence. Algorithms developed to predict the effect of missense changes on protein structure and function are either unavailable or do not agree on the potential impact of this missense change. The variant allele was found at a frequency of 3.2e-05 in 246580 control chromosomes (gnomAD). The available data on variant occurrences in the general population are insufficient to allow any conclusion about variant significance. To our knowledge, no occurrence of c.8668G>C in individuals affected with TNXB-related conditions and no experimental evidence demonstrating its impact on protein function have been reported. ClinVar contains an entry for this variant (Variation ID: 1764231). Based on the evidence outlined above, the variant was classified as uncertain significance.

Ambry Genetics
Classification: Uncertain significance for Cardiovascular phenotype. Last evaluated: 2024-12-05. Review status: criteria provided, single submitter. Criteria: Ambry Variant Classification Scheme 2023. Collection method: clinical testing. Allele origin: germline.

Clinical Genomics Laboratory, Stanford Medicine
Classification: Uncertain significance for Ehlers-Danlos syndrome due to tenascin-X deficiency; Vesicoureteral reflux 8. Last evaluated: 2023-02-28. Review status: criteria provided, single submitter. Criteria: ACMG Guidelines, 2015. Collection method: clinical testing. Allele origin: germline. Observed: 1 variant allele, 1 heterozygote.